The following is an entry in ClinVar:

ClinVar aggregate classification (germline): Uncertain significance (1 of 4 stars; one submission).

Conditions:
Leigh syndrome (NULS). Also called: Leigh's necrotizing encephalopathy; Leigh's disease; Leigh's syndrome; LEIGH SYNDROME, NUCLEAR; Leigh Syndrome (mtDNA deletion); Leigh Disease. Identifiers: Orphanet 506, MedGen C2931891, MONDO:0009723, OMIM 256000.

Submission:

Wong Mito Lab, Molecular and Human Genetics, Baylor College of Medicine
Classification: Uncertain significance for Leigh syndrome. Last evaluated: 2019-10-17. Review status: criteria provided, single submitter. Criteria: Modified ACMG Guidelines (Unpublished). Collection method: clinical testing. Allele origin: germline.
Comment: The NC_012920.1:m.14225C>T (YP_003024037.1:p.Arg150His) variant in MTND6 gene is interpretated to be a Uncertain Significance variant based on the modified ACMG guidelines (unpublished). This variant meets the following evidence codes: no criteria

NC_012920.1(MT-ND6):m.14225C>T

Gene: MT-ND6 (mitochondrially encoded NADH dehydrogenase 6; minus strand).
Variant type: single nucleotide variant.
Genome position: chrM-14225-C-T.
Identifiers: ClinVar variation 693693 (VCV000693693.1), dbSNP rs1603224611, ClinGen allele CA414821482.